The following is an entry in ClinVar:

NM_007294.4(BRCA1):c.5544G>T (p.Gln1848His)

Gene: BRCA1 (BRCA1 DNA repair associated; minus strand). Cytogenetic location: 17q21.31.
Variant type: single nucleotide variant.
Coding change: c.5544G>T on transcript NM_007294.4 (MANE Select); coding-DNA position 5544, G replaced by T.
Protein change: p.Gln1848His; replaces glutamine 1848 with histidine.
Molecular consequence: missense variant. On other transcripts: 3 prime UTR variant (1), non-coding transcript variant (1).
Genome position (GRCh38, 1-based): chr17:43,045,726, C>A on the plus strand (G>T on the coding strand, the complement: BRCA1 is on the minus strand). VCF-style: chr17-43045726-C-A. GRCh37 (hg19) VCF-style: chr17-41197743-C-A.
Other names: c.5331G>T, p.Gln1777His (NM_001407571.1, NM_001407894.1, NM_001407895.1 and 12 more transcripts); c.5610G>T, p.Gln1870His (NM_001407581.1, NM_001407582.1); c.5607G>T, p.Gln1869His (NM_001407583.1, NM_001407585.1, NM_001407587.1 and 1 more transcripts); c.5604G>T, p.Gln1868His (NM_001407590.1, NM_001407591.1); c.5544G>T, p.Gln1848His (NM_001407593.1, NM_001407594.1, NM_001407596.1 and 5 more transcripts); c.5541G>T, p.Gln1847His (NM_001407610.1, NM_001407611.1, NM_001407622.1 and 14 more transcripts); c.5538G>T, p.Gln1846His (NM_001407627.1, NM_001407628.1, NM_001407629.1 and 13 more transcripts); c.5535G>T, p.Gln1845His (NM_001407644.1, NM_001407645.1); and 74 more; short protein forms Q1801H, Q1848H, Q744H, Q1869H, Q1679H, Q1720H, Q1737H, Q1758H.
Identifiers: ClinVar variation 869027 (VCV000869027.4), dbSNP rs2050865178, ClinGen allele CA10590234.

ClinVar aggregate classification (germline): Uncertain significance (1 of 4 stars; one submission).

Conditions:
Breast-ovarian cancer, familial, susceptibility to, 1 (BROVCA1). Also called: BRCA1 Hereditary Breast and Ovarian Cancer; OVARIAN CANCER, SUSCEPTIBILITY TO. Identifiers: Orphanet 145, MedGen C2676676, MONDO:0011450, OMIM 604370. Disease mechanism: loss of function.

Allele frequency attached by ClinVar (database versions not stated): gnomAD exomes below 0.00001.
gnomAD v4.1: 1 of 1,614,008 alleles (0.000062%); highest among the groups gnomAD compares: South Asian, 0.0011%; no homozygotes.

Submissions (2):

Cancer Bioinformatics and Tumour Evolution Laboratory, Monash University
Classification: Uncertain significance for Breast-ovarian cancer, familial, susceptibility to, 1. Last evaluated: 2026-05-01. Review status: criteria provided, single submitter. Criteria: ClinGen BRCA1 and BRCA2 Guidelines, 2024. Collection method: curation. Allele origin: germline. Inheritance: Autosomal dominant inheritance.
Comment: Variant is a missense within a functional domain (BRCT domain). BayesDel score is 0.126972, which means no functional impact is predicted. Hence, BP4 is applied. PMID: 30209399 - SGE on haploid human HAP1 cells followed by HDR assay. This variant (c.5544G>T; p.Gln1848His) was classified as intermediate in terms of function. However c.5544G>C; p.Gln1848His was functional. All other missenses in this position were functional except c.5543A>C; p.Gln1848Pro which was reported to be LOF. PMID: 35196514 - This study also conducted a Cisplatin (iPARP) repair assay. This variant (Q1848H) was found to be non-functional (no nucleotide change mentioned in the study). Due to discordance in functional studies, PS3/BS3 is not applied.

Brotman Baty Institute, University of Washington
No classification provided (evidence only). Condition: Breast-ovarian cancer, familial 1. Review status: no classification provided. Collection method: in vitro. Allele origin: not applicable. Functional consequence: function_uncertain_variant. Not counted in ClinVar's aggregate classification.
ClinVar note: "not provided" was previously submitted as the classification for the variant. However, the classification appeared to be based only on an observation of functional data so it was converted to no classification on 2025-07-30.

Literature cited by the submitters: PubMed 30209399 (cited by Cancer Bioinformatics and Tumour Evolution Laboratory, Monash University); PubMed 35196514 (cited by Cancer Bioinformatics and Tumour Evolution Laboratory, Monash University).